The following is an entry in ClinVar:

NM_001378778.1(MPDZ):c.5425G>C (p.Gly1809Arg)

Gene: MPDZ (multiple PDZ domain crumbs cell polarity complex component; minus strand). Cytogenetic location: 9p23.
Variant type: single nucleotide variant.
Coding change: c.5425G>C on transcript NM_001378778.1 (MANE Select); coding-DNA position 5425, G replaced by C.
Protein change: p.Gly1809Arg; replaces glycine 1809 with arginine.
Molecular consequence: missense variant. On other transcripts: intron variant (5).
Genome position (GRCh38, 1-based): chr9:13,115,289, C>G on the plus strand (G>C on the coding strand, the complement: MPDZ is on the minus strand). VCF-style: chr9-13115289-C-G. GRCh37 (hg19) VCF-style: chr9-13115288-C-G.
Other names: c.5326G>C, p.Gly1776Arg (NM_001261406.2, NM_001375416.1, NM_001375417.1 and 1 more transcripts); c.5425G>C, p.Gly1809Arg (NM_001330637.2); c.5524G>C, p.Gly1842Arg (NM_001375413.1); c.5215G>C, p.Gly1739Arg (NM_001375420.1, NM_001375421.1, NM_001375422.1 and 2 more transcripts); c.5017G>C, p.Gly1673Arg (NM_001375427.1); c.5170-1268G>C (NM_001375425.1, NM_001375426.1); c.5281-1268G>C (NM_001375419.1, NM_001261407.2); c.5380-1268G>C (NM_003829.5); short protein forms G1673R, G1739R, G1809R, G1842R, G1776R.
Identifiers: ClinVar variation 1034033 (VCV001034033.1), dbSNP rs374250159, ClinGen allele CA4986291.

ClinVar aggregate classification (germline): Uncertain significance (1 of 4 stars; one submission).

Conditions:
Hydrocephalus, nonsyndromic, autosomal recessive 2. Also called: Hydrocephalus, congenital, 2, with or without brain or eye anomalies. Identifiers: Orphanet 2185, MedGen C3554691, MONDO:0014085, OMIM 615219.

Allele frequency attached by ClinVar (database versions not stated): gnomAD exomes 0.00001 and 0.00003; ExAC 0.00005; gnomAD 0.00011 and 0.00012; TOPMed 0.00011; ESP Exome Variant Server 0.00017; 1000 Genomes Project 30x 0.00047; 1000 Genomes Project 0.00060.
gnomAD v4.1: 33 of 1,612,746 alleles (0.002%); highest among the groups gnomAD compares: African/African-American, 0.033%; no homozygotes.

Submission:

Baylor Genetics
Classification: Uncertain significance for Hydrocephalus, nonsyndromic, autosomal recessive 2. Last evaluated: 2018-09-10. Review status: criteria provided, single submitter. Criteria: ACMG Guidelines, 2015. Collection method: clinical testing. Allele origin: unknown. Affected: yes.
Comment: This variant was determined to be of uncertain significance according to ACMG Guidelines, 2015 [PMID:25741868].